The following is an entry in ClinVar:

NM_004336.5(BUB1):c.2347+3A>G

Gene: BUB1 (BUB1 mitotic checkpoint serine/threonine kinase; minus strand). Cytogenetic location: 2q13.
Variant type: single nucleotide variant.
Coding change: c.2347+3A>G on transcript NM_004336.5 (MANE Select); 3 bases into the intron after coding-DNA position 2347, A replaced by G.
Molecular consequence: intron variant.
Genome position (GRCh38, 1-based): chr2:110,649,231, T>C on the plus strand (A>G on the coding strand, the complement: BUB1 is on the minus strand). VCF-style: chr2-110649231-T-C. GRCh37 (hg19) VCF-style: chr2-111406808-T-C.
Other names: c.2287+3A>G (NM_001278616.2); c.2347+3A>G (NM_001278617.2).
Identifiers: ClinVar variation 3705402 (VCV003705402.2).

ClinVar aggregate classification (germline): Uncertain significance (1 of 4 stars; one submission).

gnomAD v4.1: 119 of 1,604,494 alleles (0.0074%); highest among the groups gnomAD compares: Non-Finnish European, 0.0093%; no homozygotes.

Submission:

Labcorp Genetics (formerly Invitae), Labcorp
Classification: Uncertain significance. Last evaluated: 2025-02-18. Review status: criteria provided, single submitter. Criteria: Invitae Variant Classification Sherloc (09022015). Collection method: clinical testing. Allele origin: germline.
Comment: This sequence change falls in intron 19 of the BUB1 gene. It does not directly change the encoded amino acid sequence of the BUB1 protein. It affects a nucleotide within the consensus splice site. This variant is present in population databases (rs369311438, gnomAD 0.007%). This variant has not been reported in the literature in individuals affected with BUB1-related conditions. Variants that disrupt the consensus splice site are a relatively common cause of aberrant splicing (PMID: 17576681, 9536098). In summary, the available evidence is currently insufficient to determine the role of this variant in disease. Therefore, it has been classified as a Variant of Uncertain Significance.

Literature cited by the submitters: PubMed 17576681; PubMed 9536098.